The following is an entry in ClinVar:

ClinVar aggregate classification (germline): Pathogenic (1 of 4 stars; one submission).

Conditions:
Usher syndrome type 1D (USH1D). Also called: USHER SYNDROME, TYPE ID. Identifiers: Orphanet 231169, Orphanet 886, MedGen C1832845, MONDO:0010984, OMIM 601067.

Submission:

INGEBI, INGEBI / CONICET
Classification: Pathogenic for Usher syndrome type 1D. Last evaluated: 2021-07-15. Review status: criteria provided, single submitter. Criteria: ClinGen HL ACMG Specifications v1. Collection method: clinical testing. Allele origin: germline. Inheritance: Autosomal recessive inheritance. Affected: yes. Observed: 1 variant allele, 1 compound heterozygote.
Comment: Based on ACMG/AMP guidelines and Hearing Loss Expert Panel specific criteria. The c.3353del [p.(Gly1118Alafs*7)] is absent from population databases (PM2). This variant in CDH23 gene is predicted to cause a premature stop codon in biologically-relevant-exon 27/68 that leads to a truncated or absent protein in a gene in which loss-of-function is an established mechanism, NMD is predcited to occur, (PVS1). c.3352del was identified in trans with a pathogenic variant (PM3) in patients who displayed features of postlingual progressive bilateral moderate HL and ophthalmic findings (Retinopathy) which are consistent with Usher syndrome (PP4). Considering all the information together: PM2, PVS1, PM3 and PP4 the variant c.3352del in CDH23 gene is classified as Pathogenic for autosomal recessive Usher syndrome.

NM_022124.6(CDH23):c.3353del (p.Gly1118fs)

Genes: C10orf105 (chromosome 10 open reading frame 105; minus strand), CDH23 (cadherin related 23; plus strand). Cytogenetic location: 10q22.1.
Variant type: Deletion.
Coding change: c.3353del on transcript NM_022124.6 (MANE Select); coding-DNA position 3353, one base deleted (G; older notation c.3353delG).
Protein change: p.Gly1118fs; shifts the reading frame from glycine 1118.
Molecular consequence: frameshift variant. On other transcripts: 3 prime UTR variant (2).
Genome position (GRCh38, 1-based): chr10:71,712,797, G deleted; the last of 2 consecutive G bases (chr10:71,712,796-71,712,797); deleting either gives the same sequence. VCF-style (leftmost placement, unchanged base first): chr10-71712795-AG-A. GRCh37 (hg19) VCF-style: chr10-73472552-AG-A.
Other names: c.*3140del (NM_001164375.3, NM_001168390.2); c.3353del, p.Gly1118fs (NM_001171930.2); short protein forms G1118fs.
Identifiers: ClinVar variation 1185587 (VCV001185587.2), dbSNP rs2132760607, ClinGen allele CA2499220334.
Genomic context (GRCh38, chr10:71,712,795, plus strand): 5'-CAACCGGCCCATCTTTCTGCAGAGCAGCTATGAGGCCAGCGTCCCTGAGGACATCCCTGA[AG>A]GCCACAGCATCTTGCAGGCAGGTGGCCCGTGGCCTCTGGGGCAGGTGGTGGGCTGGGGGA-3'